The following is an entry in ClinVar:

NM_001111.5(ADAR):c.2270+4A>C

Gene: ADAR (adenosine deaminase RNA specific; minus strand). Cytogenetic location: 1q21.3.
Variant type: single nucleotide variant.
Coding change: c.2270+4A>C on transcript NM_001111.5 (MANE Select); 4 bases into the intron after coding-DNA position 2270, A replaced by C.
Molecular consequence: intron variant.
Genome position (GRCh38, 1-based): chr1:154,596,801, T>G on the plus strand (A>C on the coding strand, the complement: ADAR is on the minus strand). VCF-style: chr1-154596801-T-G. GRCh37 (hg19) VCF-style: chr1-154569277-T-G.
Other names: c.1385+4A>C (NM_001365046.1, NM_001025107.3, NM_001365048.1 and 3 more transcripts); c.2297+4A>C (NM_001365045.1); c.2213+4A>C (NM_015841.4); c.2270+4A>C (NM_015840.4).
Identifiers: ClinVar variation 4057040 (VCV004057040.1).
Genomic context (GRCh38, chr1:154,596,801, plus strand): 5'-TTCCCTGGGTTACAGACCATCCCCAACTGGTGACACATGCATTAGCCAGGACTAGGACAC[T>G]CACTTGGGCTCGTGAGGAGGTCCGGACTGGTCGACCAACTTGAATTCAGCAGCAAAGCCA-3'

ClinVar aggregate classification (germline): Uncertain significance (1 of 4 stars; one submission).

Submission:

GeneDx
Classification: Uncertain significance. Last evaluated: 2025-01-08. Review status: criteria provided, single submitter. Criteria: GeneDx Variant Classification Process June 2021. Collection method: clinical testing. Allele origin: germline. Affected: yes.
Comment: Not observed at significant frequency in large population cohorts (gnomAD); In silico analysis indicates that this variant does not alter splicing; Has not been previously published as pathogenic or benign to our knowledge